The following is an entry in ClinVar:

ClinVar aggregate classification (germline): Likely benign (1 of 4 stars; one submission).

Allele frequency attached by ClinVar (database versions not stated): gnomAD exomes below 0.00001.
gnomAD v4.1: 1 of 1,614,052 alleles (0.000062%); highest among the groups gnomAD compares: Non-Finnish European, 0.000085%; no homozygotes.

Submission:

CeGaT Center for Human Genetics Tuebingen
Classification: Likely benign. Last evaluated: 2022-08-01. Review status: criteria provided, single submitter. Criteria: CeGaT Center For Human Genetics Tuebingen Variant Classification Criteria Version 2. Collection method: clinical testing. Allele origin: germline. Affected: yes. Observed: 1 variant allele.
Comment: SCN3A: BP4, BP7

NM_006922.4(SCN3A):c.1470G>A (p.Lys490=)

Gene: SCN3A (sodium voltage-gated channel alpha subunit 3; minus strand). Cytogenetic location: 2q24.3.
Variant type: single nucleotide variant.
Coding change: c.1470G>A on transcript NM_006922.4 (MANE Select); coding-DNA position 1470, G replaced by A.
Protein change: p.Lys490=; no amino-acid change (lysine 490 retained).
Molecular consequence: synonymous variant.
Genome position (GRCh38, 1-based): chr2:165,146,940, C>T on the plus strand (G>A on the coding strand, the complement: SCN3A is on the minus strand). VCF-style: chr2-165146940-C-T. GRCh37 (hg19) VCF-style: chr2-166003450-C-T.
Other names: c.1470G>A, p.Lys490= (NM_001081676.2, NM_001081677.2).
Identifiers: ClinVar variation 2651481 (VCV002651481.24), dbSNP rs1162771591, ClinGen allele CA429990651.
Genomic context (GRCh38, chr2:165,146,940, plus strand): 5'-CTCTCTCTGTCTTCTTTTCTTCCTTCGGTTCCTCCATTCTTTAGCACTTTTGGAACTCAA[C>T]TTTGATGCTTCTGAAGAACTTTCCAACAGCTCTCCTAACCCACCTATTCCACTGAAATCT-3'
Protein context (NP_008853.3, residues 480-500): ELLESSSEAS[Lys490=]LSSKSAKEWR